The following is an entry in ClinVar:

NM_201548.5(CERKL):c.365T>G (p.Leu122Arg)

Gene: CERKL (CERK like autophagy regulator; minus strand). Cytogenetic location: 2q31.3.
Variant type: single nucleotide variant.
Coding change: c.365T>G on transcript NM_201548.5 (MANE Select); coding-DNA position 365, T replaced by G.
Protein change: p.Leu122Arg; replaces leucine 122 with arginine.
Molecular consequence: missense variant. On other transcripts: non-coding transcript variant (2).
Genome position (GRCh38, 1-based): chr2:181,603,953, A>C on the plus strand (T>G on the coding strand, the complement: CERKL is on the minus strand). VCF-style: chr2-181603953-A-C. GRCh37 (hg19) VCF-style: chr2-182468680-A-C.
Other names: c.365T>G, p.Leu122Arg (NM_001030311.3, NM_001030312.3, NM_001030313.3 and 1 more transcripts); short protein forms L122R.
Identifiers: ClinVar variation 522299 (VCV000522299.6), dbSNP rs558913945, ClinGen allele CA61602210.

ClinVar aggregate classification (germline): Conflicting classifications of pathogenicity. Review status: criteria provided, conflicting classifications (1 of 4 stars). 3 submissions from 3 submitters: Likely pathogenic (1); Uncertain significance (2). Last evaluated 2025-12-20.

Conditions:
Retinitis pigmentosa 26 (RP26). Identifiers: Orphanet 791, MedGen C1842127, MONDO:0012024, OMIM 608380.

Allele frequency attached by ClinVar (database versions not stated): gnomAD 0.00001; gnomAD exomes 0.00001.
gnomAD v4.1: 16 of 1,613,304 alleles (0.00099%); highest among the groups gnomAD compares: Non-Finnish European, 0.0014%; no homozygotes.

Submissions (3):

Natera, Inc.
Classification: Likely pathogenic for Retinitis Pigmentosa 26. Last evaluated: 2025-12-20. Review status: criteria provided, single submitter. Criteria: Natera Variant Classification Schema (03/2026). Collection method: clinical testing. Allele origin: germline.
Comment: The c.365T>G variant in CERKL is a missense variant predicted to cause substitution of leucine to arginine at amino acid 122. This variant is rare in the general population with a frequency below the threshold expected for the associated phenotype(s). This variant has been observed in one or more individuals affected with the associated recessive disease, as either homozygous or compound heterozygous with a second variant (PMID: 27898983). Additionally, this variant has been observed to segregate in affected family members (PMID: 27898983). Computational prediction algorithms indicate this variant is likely to affect gene or protein function. Given the available evidence, this variant is classified as Likely Pathogenic.

Labcorp Genetics (formerly Invitae), Labcorp
Classification: Uncertain significance. Last evaluated: 2021-09-28. Review status: criteria provided, single submitter. Criteria: Invitae Variant Classification Sherloc (09022015). Collection method: clinical testing. Allele origin: germline.
Comment: This sequence change replaces leucine with arginine at codon 122 of the CERKL protein (p.Leu122Arg). The leucine residue is weakly conserved and there is a moderate physicochemical difference between leucine and arginine. This variant is not present in population databases (ExAC no frequency). This missense change has been observed in individual(s) with retinitis pigmentosa (PMID: 27898983). ClinVar contains an entry for this variant (Variation ID: 522299). Algorithms developed to predict the effect of missense changes on protein structure and function are either unavailable or do not agree on the potential impact of this missense change (SIFT: "Tolerated"; PolyPhen-2: "Probably Damaging"; Align-GVGD: "Class C0"). In summary, the available evidence is currently insufficient to determine the role of this variant in disease. Therefore, it has been classified as a Variant of Uncertain Significance.

Clinical Genetics DNA and cytogenetics Diagnostics Lab, Erasmus MC, Erasmus Medical Center
Classification: Uncertain significance for Retinitis pigmentosa 26. Last evaluated: 2015-11-23. Review status: criteria provided, single submitter. Criteria: ACGS Guidelines, 2013. Collection method: clinical testing. Allele origin: germline. Affected: yes. Study: VKGL Data-share Consensus.

Literature cited by the submitters: PubMed 27898983 (cited by Natera, Inc. and Labcorp Genetics (formerly Invitae), Labcorp).